The following is an entry in ClinVar:

ClinVar aggregate classification (germline): Uncertain significance. Review status: criteria provided, multiple submitters, no conflicts (2 of 4 stars). 4 submissions from 4 submitters: Uncertain significance (4). Last evaluated 2025-08-11.

Conditions:
Cardiovascular phenotype. Identifiers: MedGen CN230736.
Catecholaminergic polymorphic ventricular tachycardia (CVPT). Also called: Catecholamine-induced polymorphic ventricular tachycardia. Identifiers: Orphanet 3286, MedGen C5574922, MONDO:0017990.
Cardiomyopathy (CMYO). Also called: Cardiomyopathies. Identifiers: Orphanet 167848, MedGen C0878544, MONDO:0004994, HP:0001638. Inheritance: Various modes of inheritance.
Catecholaminergic polymorphic ventricular tachycardia 1. Also called: VENTRICULAR TACHYCARDIA, STRESS-INDUCED POLYMORPHIC 1; VENTRICULAR TACHYCARDIA, CATECHOLAMINERGIC POLYMORPHIC, 1, WITH OR WITHOUT ATRIAL DYSFUNCTION AND/OR DILATED CARDIOMYOPATHY; RYR2-Related Catecholaminergic Polymorphic Ventricular Tachycardia. Identifiers: Orphanet 3286, MedGen C1631597, MONDO:0011484, OMIM 604772.

Allele frequency attached by ClinVar (database versions not stated): TOPMed 0.00001; ExAC 0.00002; gnomAD exomes 0.00002; gnomAD 0.00003.
gnomAD v4.1: 26 of 1,613,280 alleles (0.0016%); highest among the groups gnomAD compares: South Asian, 0.015%; no homozygotes.

Submissions (4):

Labcorp Genetics (formerly Invitae), Labcorp
Classification: Uncertain significance for Catecholaminergic polymorphic ventricular tachycardia 1. Last evaluated: 2025-08-11. Review status: criteria provided, single submitter. Criteria: Invitae Variant Classification Sherloc (09022015). Collection method: clinical testing. Allele origin: germline.
Comment: This sequence change replaces arginine, which is basic and polar, with glutamine, which is neutral and polar, at codon 1610 of the RYR2 protein (p.Arg1610Gln). This variant is present in population databases (rs764687833, gnomAD 0.01%). This missense change has been observed in individual(s) with sudden unexplained death (PMID: 29247119). ClinVar contains an entry for this variant (Variation ID: 463603). Invitae Evidence Modeling of protein sequence and biophysical properties (such as structural, functional, and spatial information, amino acid conservation, physicochemical variation, residue mobility, and thermodynamic stability) indicates that this missense variant is expected to disrupt RYR2 protein function with a positive predictive value of 95%. In summary, the available evidence is currently insufficient to determine the role of this variant in disease. Therefore, it has been classified as a Variant of Uncertain Significance.

Color Diagnostics, LLC DBA Color Health
Classification: Uncertain significance for Cardiomyopathy. Last evaluated: 2025-06-10. Review status: criteria provided, single submitter. Criteria: ACMG Guidelines, 2015. Collection method: clinical testing. Allele origin: germline.
Comment: This missense variant replaces arginine with glutamine at codon 1610 of the RYR2 protein. Computational prediction is inconclusive regarding the impact of this variant on protein structure and function. To our knowledge, functional studies have not been reported for this variant. This variant has been reported in an individual affected with sudden unexplained death (PMID: 29247119). This variant has been identified in 6/279620 chromosomes in the general population by the Genome Aggregation Database (gnomAD). The available evidence is insufficient to determine the role of this variant in disease conclusively. Therefore, this variant is classified as a Variant of Uncertain Significance.

Ambry Genetics
Classification: Uncertain significance for Cardiovascular phenotype. Last evaluated: 2025-02-17. Review status: criteria provided, single submitter. Criteria: Ambry Variant Classification Scheme 2023. Collection method: clinical testing. Allele origin: germline.
Comment: The p.R1610Q variant (also known as c.4829G>A), located in coding exon 36 of the RYR2 gene, results from a G to A substitution at nucleotide position 4829. The arginine at codon 1610 is replaced by glutamine, an amino acid with highly similar properties. This variant has been detected in a sudden unexplained death cohort (Lin Y et al. Circ Cardiovasc Genet, 2017 Dec;10). This amino acid position is highly conserved in available vertebrate species. In addition, the in silico prediction for this alteration is inconclusive. Based on the available evidence, the clinical significance of this variant remains unclear.

All of Us Research Program, National Institutes of Health
Classification: Uncertain significance for Catecholaminergic polymorphic ventricular tachycardia. Last evaluated: 2023-12-01. Review status: criteria provided, single submitter. Criteria: ACMG Guidelines, 2015. Collection method: clinical testing. Allele origin: germline. Inheritance: Autosomal dominant inheritance. Observed: 2 variant alleles, 2 heterozygotes.
Comment: This study involves interpretation of variants in research participants for the purpose of population health screening. Participant phenotype was not available at the time of variant classification. Additional details can be found in publication PMID: 35346344, PMCID: PMC8962531

Literature cited by the submitters: PubMed 29247119 (cited by 3 submitters).

NM_001035.3(RYR2):c.4829G>A (p.Arg1610Gln)

Gene: RYR2 (ryanodine receptor 2; plus strand). Cytogenetic location: 1q43.
Variant type: single nucleotide variant.
Coding change: c.4829G>A on transcript NM_001035.3 (MANE Select); coding-DNA position 4829, G replaced by A.
Protein change: p.Arg1610Gln; replaces arginine 1610 with glutamine.
Molecular consequence: missense variant.
Genome position (GRCh38, 1-based): chr1:237,610,907, G>A. VCF-style: chr1-237610907-G-A. GRCh37 (hg19) VCF-style: chr1-237774207-G-A.
Other names: c.4829G>A, p.Arg1610Gln (LRG_402t1); short protein forms R1610Q.
Identifiers: ClinVar variation 463603 (VCV000463603.15), dbSNP rs764687833, ClinGen allele CA073529.